The following is an entry in ClinVar:

ClinVar aggregate classification (germline): Pathogenic. Review status: criteria provided, multiple submitters, no conflicts (2 of 4 stars). 10 submissions from 10 submitters: Pathogenic (9). 1 of the submissions does not count toward it. Last evaluated 2025-10-14.

Conditions:
Dystonia 9 (DYT9). Also called: CHOREOATHETOSIS, KINESIGENIC, WITH EPISODIC ATAXIA AND SPASTICITY. Identifiers: Orphanet 53583, MedGen C1832855, MONDO:0010983, OMIM 601042.
Encephalopathy due to GLUT1 deficiency. Also called: GLUT1 deficiency syndrome 1, infantile onset, severe; Classic Glucose Transporter Type 1 Deficiency Syndrome; GLUCOSE TRANSPORT DEFECT, BLOOD-BRAIN BARRIER; Glucose transporter protein syndrome; GLUT1 deficiency syndrome 1; De Vivo disease. Identifiers: Orphanet 71277, MedGen C4551966, MONDO:0011724, OMIM 606777.
Childhood onset GLUT1 deficiency syndrome 2. Also called: GLUT1 deficiency syndrome 2; Exertion-induced paroxysmal dyskinesia; Paroxysmal exercise-induced dystonia; PxMD-SLC2A1; PAROXYSMAL EXERCISE-INDUCED DYSKINESIA WITH OR WITHOUT EPILEPSY AND/OR HEMOLYTIC ANEMIA; PAROXYSMAL EXERTION-INDUCED DYSTONIA WITH OR WITHOUT EPILEPSY AND/OR HEMOLYTIC ANEMIA. Identifiers: Orphanet 98811, MedGen C1842534, MONDO:0012805, OMIM 612126.
Hereditary cryohydrocytosis with reduced stomatin. Also called: GLUT1 DEFICIENCY SYNDROME WITH PSEUDOHYPERKALEMIA AND HEMOLYSIS; Stomatin-deficient cryohydrocytosis with neurologic defects. Identifiers: Orphanet 168577, MedGen C1837206, MONDO:0012143, OMIM 608885.
Epilepsy. Also called: Seizure disorder. Identifiers: MedGen C0014544, MeSH D004827, MONDO:0005027.
intellectual deficiency. Identifiers: MedGen CN228659.
Microcephaly. Also called: Microcephaly (disease). Identifiers: MedGen C4551563, MONDO:0001149, HP:0000252.
GLUT1 deficiency syndrome 1, autosomal recessive. Identifiers: MedGen C3149117.
Inborn genetic diseases. Identifiers: MedGen C0950123, MeSH D030342.

Submissions (10):

Ambry Genetics
Classification: Pathogenic for Inborn genetic diseases. Last evaluated: 2025-10-14. Review status: criteria provided, single submitter. Criteria: Ambry Variant Classification Scheme 2023. Collection method: clinical testing. Allele origin: germline.
Comment: The c.988C>T (p.R330*) alteration, located in exon 8 (coding exon 8) of the SLC2A1 gene, consists of a C to T substitution at nucleotide position 988. This changes the amino acid from a arginine (R) to a stop codon at amino acid position 330. This alteration is expected to result in loss of function by premature protein truncation or nonsense-mediated mRNA decay. This variant was not reported in population-based cohorts in the Genome Aggregation Database (gnomAD). This variant was reported in individuals with features consistent with GLUT1 deficiency syndrome; in at least one individual, it was determined to be de novo (Wang, 2000; Almuqbil, 2015; Rohatgi, 2023; Bayanova, 2023). Based on the available evidence, this alteration is classified as pathogenic.

Labcorp Genetics (formerly Invitae), Labcorp
Classification: Pathogenic for GLUT1 deficiency syndrome 1, autosomal recessive. Last evaluated: 2025-02-10. Review status: criteria provided, single submitter. Criteria: Invitae Variant Classification Sherloc (09022015). Collection method: clinical testing. Allele origin: germline.
Comment: This sequence change creates a premature translational stop signal (p.Arg330*) in the SLC2A1 gene. It is expected to result in an absent or disrupted protein product. Loss-of-function variants in SLC2A1 are known to be pathogenic (PMID: 21832227, 26193382). This variant is not present in population databases (gnomAD no frequency). This premature translational stop signal has been observed in individual(s) with Glut-1 Deficiency Syndrome (PMID: 10980529, 20129935, 26216499). ClinVar contains an entry for this variant (Variation ID: 207196). For these reasons, this variant has been classified as Pathogenic.

Genome-Nilou Lab
Classification: Pathogenic for Encephalopathy due to GLUT1 deficiency. Last evaluated: 2023-04-11. Review status: criteria provided, single submitter. Criteria: ACMG Guidelines, 2015. Collection method: clinical testing. Allele origin: germline. Affected: no.

GeneDx
Classification: Pathogenic. Last evaluated: 2021-12-01. Review status: criteria provided, single submitter. Criteria: GeneDx Variant Classification Process June 2021. Collection method: clinical testing. Allele origin: germline. Affected: yes.
Comment: Nonsense variant predicted to result in protein truncation or nonsense mediated decay in a gene for which loss-of-function is a known mechanism of disease; Not observed in large population cohorts (gnomAD); This variant is associated with the following publications: (PMID: 10980529, 25525159, 26216499, 26193382, 20129935, 29655203, 32371413, 34676189, 32712428)

CeGaT Center for Human Genetics Tuebingen
Classification: Pathogenic. Last evaluated: 2020-10-01. Review status: criteria provided, single submitter. Criteria: CeGaT Center For Human Genetics Tuebingen Variant Classification Criteria Version 2. Collection method: clinical testing. Allele origin: germline. Affected: yes. Observed: 1 variant allele.

Revvity Omics, Revvity
Classification: Pathogenic. Last evaluated: 2019-09-04. Review status: criteria provided, single submitter. Criteria: ACMG Guidelines, 2015. Collection method: clinical testing. Allele origin: germline.

Institute for Genomic Medicine (IGM) Clinical Laboratory, Nationwide Children's Hospital
Classification: Pathogenic for Encephalopathy due to GLUT1 deficiency; Childhood onset GLUT1 deficiency syndrome 2; Dystonia 9; Hereditary cryohydrocytosis with reduced stomatin. Last evaluated: 2017-12-15. Review status: criteria provided, single submitter. Criteria: ACMG Guidelines, 2015. Collection method: clinical testing. Allele origin: germline. Affected: yes.
Comment: [ACMG/AMP: PVS1, PS2, PM2, PP3, PP5] This alteration is a null variant in a gene where LOF is a known mechanism of disease [PVS1], is de novo in origin as it was not detected in the submitted parental specimens (identity confirmed) [PS2], is absent from or rarely observed in large-scale population databases [PM2], is predicted to be damaging by multiple functional prediction tools [PP3], was reported as a pathogenic/likely pathogenic alteration by a reputable source (ClinVar or other correspondence from a clinical testing laboratory) [PP5].

Baylor Genetics
Classification: Pathogenic for Encephalopathy due to GLUT1 deficiency. Last evaluated: 2017-09-01. Review status: criteria provided, single submitter. Criteria: ACMG Guidelines, 2015. Collection method: clinical testing. Allele origin: germline. Inheritance: Autosomal dominant inheritance. Affected: yes.

Cytogénomique, Hospices Civils de Lyon
Classification: Pathogenic for Childhood onset GLUT1 deficiency syndrome 2. Last evaluated: 2017-07-11. Review status: criteria provided, single submitter. Criteria: ACMG Guidelines, 2015. Collection method: clinical testing. Allele origin: de novo. Inheritance: Autosomal dominant inheritance. Affected: yes.

Laboratory of Molecular Genetics, CHU Rennes
Classification: Likely pathogenic for Intellectual deficiency; epilepsy; microcephaly. Review status: no assertion criteria provided. Collection method: clinical testing. Allele origin: de novo. Affected: yes. Not counted in ClinVar's aggregate classification.

Literature cited by the submitters: PubMed 10980529 (cited by 4 submitters); PubMed 26216499 (cited by Ambry Genetics and Labcorp Genetics (formerly Invitae), Labcorp); PubMed 37095367 (cited by Ambry Genetics); PubMed 37538428 (cited by Ambry Genetics); PubMed 21832227 (cited by Labcorp Genetics (formerly Invitae), Labcorp); PubMed 26193382 (cited by Labcorp Genetics (formerly Invitae), Labcorp); PubMed 20129935 (cited by Labcorp Genetics (formerly Invitae), Labcorp); PubMed 25326635 (cited by Baylor Genetics).

NM_006516.4(SLC2A1):c.988C>T (p.Arg330Ter)

Gene: SLC2A1 (solute carrier family 2 member 1; minus strand). Cytogenetic location: 1p34.2.
Variant type: single nucleotide variant.
Coding change: c.988C>T on transcript NM_006516.4 (MANE Select); coding-DNA position 988, C replaced by T.
Protein change: p.Arg330Ter; replaces arginine 330 with a stop codon.
Molecular consequence: nonsense.
Genome position (GRCh38, 1-based): chr1:42,929,018, G>A on the plus strand (C>T on the coding strand, the complement: SLC2A1 is on the minus strand). VCF-style: chr1-42929018-G-A. GRCh37 (hg19) VCF-style: chr1-43394689-G-A.
Other names: p.R330*:CGA>TGA; short protein forms R330*.
Identifiers: ClinVar variation 207196 (VCV000207196.65), dbSNP rs80359826, ClinGen allele CA318438.